The following is an entry in ClinVar:

NM_152906.7(TANGO2):c.396C>T (p.Asp132=)

Gene: TANGO2 (transport and golgi organization 2 homolog; plus strand). Cytogenetic location: 22q11.21.
Variant type: single nucleotide variant.
Coding change: c.396C>T on transcript NM_152906.7 (MANE Select); coding-DNA position 396, C replaced by T.
Protein change: p.Asp132=; no amino-acid change (aspartic acid 132 retained).
Molecular consequence: synonymous variant. On other transcripts: non-coding transcript variant (4), intron variant (11).
Genome position (GRCh38, 1-based): chr22:20,055,958, C>T. VCF-style: chr22-20055958-C-T. GRCh37 (hg19) VCF-style: chr22-20043481-C-T.
Other names: c.396C>T, p.Asp132= (NM_001283106.3, NM_001283116.3, NM_001283148.3 and 2 more transcripts); c.519C>T, p.Asp173= (NM_001283129.3, NM_001283215.3, NM_001322141.2 and 2 more transcripts); c.102C>T, p.Asp34= (NM_001283235.3, NM_001322150.2, NM_001322153.2 and 6 more transcripts); c.294C>T, p.Asp98= (NM_001322146.2, NM_001322148.2, NM_001322160.2); c.265+3374C>T (NM_001322163.2, NM_001283179.3, NM_001322167.2 and 4 more transcripts); c.388+3374C>T (NM_001322145.2, NM_001322147.2); c.380+2407C>T (NM_001283199.3); c.503+2407C>T (NM_001322149.2); and 1 more.
Identifiers: ClinVar variation 1545759 (VCV001545759.11), dbSNP rs142289562, ClinGen allele CA10106345.
Genomic context (GRCh38, chr22:20,055,958, plus strand): 5'-ACGCCCTATGGCTGTAGTCTGACATTCTCTCCCCTTGGCCTGCAGCACAGCAAAGGGAGA[C>T]GTCATTTGCTACTATGGGAACCGAGGGGAGCCTGATCCTATCGTTTTGACGCCAGGTGAG-3'
Protein context (NP_690870.3, residues 122-142): IAADLSTAKG[Asp132=]VICYYGNRGE

ClinVar aggregate classification (germline): Conflicting classifications of pathogenicity. Review status: criteria provided, conflicting classifications (1 of 4 stars). 3 submissions from 3 submitters: Uncertain significance (1); Likely benign (1). 1 of the submissions does not count toward it. Last evaluated 2026-01-06.

Conditions:
TANGO2-related disorder. Also called: TANGO2-related condition.

Allele frequency attached by ClinVar (database versions not stated): ExAC 0.00003; gnomAD exomes 0.00003; gnomAD 0.00011; TOPMed 0.00014; 1000 Genomes Project 30x 0.00016; 1000 Genomes Project 0.00020; ESP Exome Variant Server 0.00023.

Submissions (3):

Labcorp Genetics (formerly Invitae), Labcorp
Classification: Likely benign. Last evaluated: 2026-01-06. Review status: criteria provided, single submitter. Criteria: Invitae Variant Classification Sherloc (09022015). Collection method: clinical testing. Allele origin: germline.

Blueprint Genetics
Classification: Uncertain significance. Last evaluated: 2023-06-19. Review status: criteria provided, single submitter. Criteria: ACMG Guidelines, 2015. Collection method: clinical testing. Allele origin: germline.

PreventionGenetics, part of Exact Sciences
Classification: Likely benign for TANGO2-related condition. Last evaluated: 2020-10-12. Review status: no assertion criteria provided. Collection method: clinical testing. Allele origin: germline. Not counted in ClinVar's aggregate classification.
Comment: This variant is classified as likely benign based on ACMG/AMP sequence variant interpretation guidelines (Richards et al. 2015 PMID: 25741868, with internal and published modifications).